The following is an entry in ClinVar:

ClinVar aggregate classification (germline): Uncertain significance (1 of 4 stars; one submission).

Conditions:
Neurodevelopmental disorder. Identifiers: MedGen C1535926, MeSH D065886, MONDO:0700092.

Submission:

Institute of Human Genetics, University of Leipzig Medical Center
Classification: Uncertain significance for Neurodevelopmental disorder. Last evaluated: 2019-01-01. Review status: criteria provided, single submitter. Criteria: ACMG Guidelines, 2015. Collection method: clinical testing. Allele origin: de novo. Affected: yes.
Comment: This variant was identified as de novo.

NM_005393.3(PLXNB3):c.4274C>A (p.Thr1425Asn)

Gene: PLXNB3 (plexin B3; plus strand). Cytogenetic location: Xq28.
Variant type: single nucleotide variant.
Coding change: c.4274C>A on transcript NM_005393.3 (MANE Select); coding-DNA position 4274, C replaced by A.
Protein change: p.Thr1425Asn; replaces threonine 1425 with asparagine.
Molecular consequence: missense variant.
Genome position (GRCh38, 1-based): chrX:153,775,343, C>A. VCF-style: chrX-153775343-C-A. GRCh37 (hg19) VCF-style: chrX-153040798-C-A.
Other names: c.4343C>A, p.Thr1448Asn (NM_001163257.2); short protein forms T1425N, T1448N.
Identifiers: ClinVar variation 982598 (VCV000982598.1), dbSNP rs2091974044, ClinGen allele CA415130656.